The following is an entry in ClinVar:

NM_004795.4(KL):c.1150A>G (p.Met384Val)

Gene: KL (klotho; plus strand). Cytogenetic location: 13q13.1.
Variant type: single nucleotide variant.
Coding change: c.1150A>G on transcript NM_004795.4 (MANE Select); coding-DNA position 1150, A replaced by G.
Protein change: p.Met384Val; replaces methionine 384 with valine.
Molecular consequence: missense variant.
Genome position (GRCh38, 1-based): chr13:33,054,097, A>G. VCF-style: chr13-33054097-A-G. GRCh37 (hg19) VCF-style: chr13-33628234-A-G.
Other names: short protein forms M384V.
Identifiers: ClinVar variation 1940227 (VCV001940227.5), dbSNP rs748091395, ClinGen allele CA387791092.

ClinVar aggregate classification (germline): Uncertain significance (1 of 4 stars; one submission).

gnomAD v4.1: 16 of 1,614,090 alleles (0.00099%); highest among the groups gnomAD compares: South Asian, 0.0077%; no homozygotes.

Submission:

Labcorp Genetics (formerly Invitae), Labcorp
Classification: Uncertain significance. Last evaluated: 2022-11-01. Review status: criteria provided, single submitter. Criteria: Invitae Variant Classification Sherloc (09022015). Collection method: clinical testing. Allele origin: germline.
Comment: This sequence change replaces methionine, which is neutral and non-polar, with valine, which is neutral and non-polar, at codon 384 of the KL protein (p.Met384Val). This variant is present in population databases (no rsID available, gnomAD 0.004%). This variant has not been reported in the literature in individuals affected with KL-related conditions. Advanced modeling of protein sequence and biophysical properties (such as structural, functional, and spatial information, amino acid conservation, physicochemical variation, residue mobility, and thermodynamic stability) performed at Invitae indicates that this missense variant is not expected to disrupt KL protein function. In summary, the available evidence is currently insufficient to determine the role of this variant in disease. Therefore, it has been classified as a Variant of Uncertain Significance.